The following is an entry in ClinVar:

NM_000179.3(MSH6):c.2150_2153del (p.Val717fs)

Gene: MSH6 (mutS homolog 6; plus strand). Cytogenetic location: 2p16.3.
Variant type: Deletion.
Coding change: c.2150_2153del on transcript NM_000179.3 (MANE Select); coding-DNA positions 2150 to 2153, 4 bases deleted (TCAG; older notation c.2150_2153delTCAG).
Protein change: p.Val717fs; shifts the reading frame from valine 717.
Molecular consequence: frameshift variant.
Genome position (GRCh38, 1-based): chr2:47,800,133-47,800,136, TCAG deleted; deleting any 4 consecutive bases within chr2:47,800,130-47,800,136 gives the same sequence; the c. name uses the placement nearest the transcript's 3' end. VCF-style (leftmost placement, unchanged base first): chr2-47800129-ACAGT-A. GRCh37 (hg19) VCF-style: chr2-48027268-ACAGT-A.
Other names: c.2150_2153delTCAG (NM_000179.2, NM_000179.3); c.1760_1763del, p.Val587fs (NM_001281492.2); c.1244_1247del, p.Val415fs (NM_001281493.2, NM_001281494.2); short protein forms V415fs, V587fs.
Identifiers: ClinVar variation 89256 (VCV000089256.56), dbSNP rs267608058, ClinGen allele CA009744.

ClinVar aggregate classification (germline): Pathogenic. Review status: reviewed by expert panel (3 of 4 stars). 27 submissions from 26 submitters: Pathogenic (1). 26 of the submissions do not count toward it. Last evaluated 2013-09-05.

Conditions:
MSH6-related disorder. Also called: MSH6-Related disorders; MSH6-related condition.
Hereditary cancer-predisposing syndrome. Also called: Tumor predisposition; Neoplastic Syndromes, Hereditary; Hereditary neoplastic syndrome; Hereditary Cancer Syndrome. Identifiers: Orphanet 140162, MedGen C0027672, MeSH D009386, MONDO:0015356.
Mismatch repair cancer syndrome 3. Identifiers: MedGen C5436807, MONDO:0030841, OMIM 619097.
Lynch syndrome 5 (LYNCH5). Also called: Hereditary non-polyposis colorectal cancer, type 5; Colorectal cancer, hereditary nonpolyposis, type 5. Identifiers: Orphanet 144, MedGen C1833477, MONDO:0013710, OMIM 614350. Disease mechanism: loss of function.
Endometrial carcinoma. Also called: Endometrial carcinoma, somatic. Identifiers: MedGen C0476089, MONDO:0002447, OMIM 608089, HP:0012114.
Hereditary nonpolyposis colorectal neoplasms. Identifiers: MedGen C0009405, MeSH D003123.
Lynch syndrome. Identifiers: Orphanet 144, MedGen C4552100, MONDO:0005835. Disease mechanism: loss of function.
Carcinoma of colon (CRC). Also called: Colonic carcinoma; Colon carcinoma. Identifiers: MedGen C0699790, MONDO:0002032.
Mismatch repair cancer syndrome 1 (MMRCS1). Also called: MISMATCH REPAIR DEFICIENCY; MMR DEFICIENCY; BRAIN TUMOR-POLYPOSIS SYNDROME 1; BTP1 SYNDROME; CHILDHOOD CANCER SYNDROME. Identifiers: Orphanet 252202, MedGen C5399763, MONDO:0010159, OMIM 276300. Disease mechanism: loss of function.

Submissions 1 to 9 of 27:

International Society for Gastrointestinal Hereditary Tumours (InSiGHT)
Classification: Pathogenic for Lynch Syndrome. Last evaluated: 2013-09-05. Review status: reviewed by expert panel. Criteria: Guidelines v1.9. Collection method: research. Allele origin: germline.
Comment: Coding sequence variation resulting in a stop codon

Classified with v1.9 guidelines

Labcorp Genetics (formerly Invitae), Labcorp
Classification: Pathogenic for Hereditary nonpolyposis colorectal neoplasms. Last evaluated: 2026-02-03. Review status: criteria provided, single submitter. Criteria: Invitae Variant Classification Sherloc (09022015). Collection method: clinical testing. Allele origin: germline. Not counted in ClinVar's aggregate classification.
Comment: This sequence change creates a premature translational stop signal (p.Val717Alafs*18) in the MSH6 gene. It is expected to result in an absent or disrupted protein product. Loss-of-function variants in MSH6 are known to be pathogenic (PMID: 18269114, 24362816). This variant is present in population databases (rs587782275, gnomAD 0.003%). This premature translational stop signal has been observed in individual(s) with Lynch syndrome and associated cancers (PMID: 10537275, 18566915, 20028993, 22006311, 23047549, 23652311). Invitae Evidence Modeling of clinical and family history, age, sex, and reported ancestry of multiple individuals with this MSH6 variant has been performed. This variant is expected to be pathogenic with a positive predictive value of at least 99%. This is a validated machine learning model that incorporates the clinical features of 1,627,235 individuals referred to our laboratory for MSH6 testing. ClinVar contains an entry for this variant (Variation ID: 89256). For these reasons, this variant has been classified as Pathogenic.

Variantyx, Inc.
Classification: Pathogenic for Lynch syndrome 5. Last evaluated: 2025-09-24. Review status: criteria provided, single submitter. Criteria: Variantyx Assertion Criteria 2022. Collection method: clinical testing. Allele origin: germline. Inheritance: Autosomal dominant inheritance. Affected: yes. Not counted in ClinVar's aggregate classification.
Comment: This is a frameshift variant in the MSH6 gene (OMIM: 600678). Pathogenic variants in this gene have been associated with autosomal dominant Lynch Syndrome 5. This variant has been reported in the published literature in individuals presenting with highly specific features of this disorder, which has a limited etiology (PMID: 22006311, 20487569, 10537275;18566915, 20028993) (PP4_Strong) and in ndividuals with Lynch syndrome associated malignancies (PMID:10537275;22006311;23047549). The alteration introduces a premature termination codon in exon 4 out of 10 and is expected to result in loss of function, which is a known disease mechanism for MSH6 in this disorder (PMID: 18269114, 24362816) (PVS1). This variant has a 0.0033% maximum allele frequency in non-founder control populations. Based on the current evidence, this variant is classified as pathogenic for autosomal dominant Lynch Syndrome 5. This classification has been validated by an expert panel in ClinVar.

Ambry Genetics
Classification: Pathogenic for Hereditary cancer-predisposing syndrome. Last evaluated: 2025-05-16. Review status: criteria provided, single submitter. Criteria: Ambry Variant Classification Scheme 2023. Collection method: clinical testing. Allele origin: germline. Not counted in ClinVar's aggregate classification.
Comment: The c.2150_2153delTCAG alteration, located in exon 4 (coding exon 4) of the MSH6 gene, consists of a deletion of 4 nucleotides from position 2150 to 2153, causing a translational frameshift with a predicted alternate stop codon after amino acids. This alteration is expected to result in loss of function by premature protein truncation or nonsense-mediated mRNA decay. Based on data from gnomAD, this allele has an overall frequency of 0.001% (2/250930) total alleles studied. The highest observed frequency was 0.003% (1/30612) of South Asian alleles. This variant has been detected in multiple hereditary non-polyposis colorectal cancer (HNPCC)/Lynch syndrome patients, several with tumors demonstrating microsatellite instability and/or loss of MSH6 protein on immunohistochemistry (Baglietto, 2010; Talseth-Palmer, 2010; Walsh, 2011; van Lier, 2012; Pagin, 2013; Shirts, 2016; Espenschied, 2017; Roberts, 2018; Carter, 2018; Dow, 2018; Tian, 2019). This variant was reported in 1/60,466 breast cancer cases and in 0/53,461 controls (Breast Cancer Association, 2021), and was reported in a cohort of 29,906 healthy individuals who underwent multigene panel testing (Grzymski, 2020). Based on the available evidence, this alteration is classified as pathogenic.

Center for Genomic Medicine, Rigshospitalet, Copenhagen University Hospital
Classification: Pathogenic. Last evaluated: 2025-03-04. Review status: criteria provided, single submitter. Criteria: ACMG Guidelines, 2015. Collection method: clinical testing. Allele origin: germline. Not counted in ClinVar's aggregate classification.

Department of Clinical Genetics, Copenhagen University Hospital, Rigshospitalet
Classification: Pathogenic for Lynch syndrome. Last evaluated: 2025-02-04. Review status: criteria provided, single submitter. Criteria: ACMG Guidelines, 2015. Collection method: clinical testing. Allele origin: germline. Not counted in ClinVar's aggregate classification.
Comment: PVS1; PM2_SUP; PP4_Strong

Rady Children's Institute for Genomic Medicine, Rady Children's Hospital San Diego
Classification: Pathogenic for MSH6-related disorders. Last evaluated: 2024-12-11. Review status: criteria provided, single submitter. Criteria: ACMG Guidelines, 2015. Collection method: clinical testing. Allele origin: germline. Affected: yes. Not counted in ClinVar's aggregate classification.
Comment: This frameshifting variant in exon 4 of 10 is predicted to result in loss of normal protein function through either protein truncation or nonsense-mediated mRNA decay. Loss-of-function variation in MSH6 is an established mechanism of disease (PMID: 20301390). This variant has been previously reported as a heterozygous change in patients with Lynch syndrome (PMID: 10537275, 18566915, 20028993, 22006311, 23047549, 23652311). The c.2150_2153del (p.Val717AlafsTer18) variant is present in the latest version of the gnomAD population database at an allele frequency of 0.0009% (15/1614084) and thus is presumed to be rare. Based on the available evidence, c.2150_2153del (p.Val717AlafsTer18) is classified as Pathogenic.

MVZ Medizinische Genetik Mainz
Classification: Pathogenic for Lynch syndrome 5. Last evaluated: 2024-10-10. Review status: criteria provided, single submitter. Criteria: UK Practice Guidelines For Variant Classification V4 01 2020. Collection method: clinical testing. Allele origin: germline. Inheritance: Autosomal dominant inheritance. Affected: yes. Observed: 1 variant allele. Not counted in ClinVar's aggregate classification.
Comment: ACMG Criteria: PVS1,PP4_STR,PM2_SUP

Institute of Human Genetics, FAU Erlangen, Friedrich-Alexander-Universität Erlangen-Nürnberg
Classification: Pathogenic. Last evaluated: 2024-10-08. Review status: criteria provided, single submitter. Criteria: Hauer et al. (Genet Med. 2018). Collection method: clinical testing. Allele origin: germline. Inheritance: Unknown mechanism. Affected: yes. Observed: 1 variant allele. Not counted in ClinVar's aggregate classification.
Comment: This variant has been identified by standard clinical testing.